The following is an entry in ClinVar:

NM_006494.4(ERF):c.272dup (p.Arg92fs)

Gene: ERF (ETS2 repressor factor; minus strand). Cytogenetic location: 19q13.2.
Variant type: Duplication.
Coding change: c.272dup on transcript NM_006494.4 (MANE Select); coding-DNA position 272, one base duplicated (A; older notation c.272dupA).
Protein change: p.Arg92fs; shifts the reading frame from arginine 92.
Molecular consequence: frameshift variant.
Genome position (GRCh38, 1-based): chr19:42,249,928, T duplicated on the plus strand (A on the coding strand, the reverse complement: ERF is on the minus strand); the first of 2 consecutive T bases (chr19:42,249,928-42,249,929); duplicating either gives the same sequence. VCF-style (leftmost placement, unchanged base first): chr19-42249927-C-CT. GRCh37 (hg19) VCF-style: chr19-42754079-C-CT.
Other names: c.47dup, p.Arg17fs (NM_001301035.2, NM_001308402.2, NM_001312656.2); short protein forms R17fs, R92fs.
Identifiers: ClinVar variation 2122554 (VCV002122554.4), dbSNP rs2513524258, ClinGen allele CA2580097353.
Genomic context (GRCh38, chr19:42,249,927, plus strand): 5'-CAGTTTGTTGAAATTGAACTTGTAGGTGAACCGTTTCCCCTTGGTCTTGTGCAGAATGCG[C>CT]TTGTTATAGTAATAGCTGTGGGTACAGAAATGCCATTGGGAAGGTCAGGTACGTGGGACC-3'

ClinVar aggregate classification (germline): Pathogenic (1 of 4 stars; one submission).

Conditions:
TWIST1-related craniosynostosis (CRS1). Also called: CRANIOSYNOSTOSIS 1. Identifiers: Orphanet 63440, MedGen C4551902, MONDO:0007399, OMIM 123100. Inheritance: Heterogenous inheritance pattern.

Submission:

Labcorp Genetics (formerly Invitae), Labcorp
Classification: Pathogenic for TWIST1-related craniosynostosis. Last evaluated: 2025-04-10. Review status: criteria provided, single submitter. Criteria: Invitae Variant Classification Sherloc (09022015). Collection method: clinical testing. Allele origin: germline.
Comment: This sequence change creates a premature translational stop signal (p.Arg92Alafs*29) in the ERF gene. While this is not anticipated to result in nonsense mediated decay, it is expected to disrupt the last 457 amino acid(s) of the ERF protein. This variant is not present in population databases (gnomAD no frequency). This variant has not been reported in the literature in individuals affected with ERF-related conditions. ClinVar contains an entry for this variant (Variation ID: 2122554). This variant disrupts a region of the ERF protein in which other variant(s) (p.Glu437Glyfs*7) have been determined to be pathogenic (internal data). This suggests that this is a clinically significant region of the protein, and that variants that disrupt it are likely to be disease-causing. For these reasons, this variant has been classified as Pathogenic.